The following is an entry in ClinVar:

NM_003482.4(KMT2D):c.672G>C (p.Leu224=)

Gene: KMT2D (lysine methyltransferase 2D; minus strand). Cytogenetic location: 12q13.12.
Variant type: single nucleotide variant.
Coding change: c.672G>C on transcript NM_003482.4 (MANE Select); coding-DNA position 672, G replaced by C.
Protein change: p.Leu224=; no amino-acid change (leucine 224 retained).
Molecular consequence: synonymous variant.
Genome position (GRCh38, 1-based): chr12:49,053,979, C>G on the plus strand (G>C on the coding strand, the complement: KMT2D is on the minus strand). VCF-style: chr12-49053979-C-G. GRCh37 (hg19) VCF-style: chr12-49447762-C-G.
Identifiers: ClinVar variation 4989963 (VCV004989963.1).

ClinVar aggregate classification (germline): Likely benign (1 of 4 stars; one submission).

Conditions:
KMT2D-related disorder. Also called: KMT2D-Related Disorders.

gnomAD v4.1: 25 of 1,612,946 alleles (0.0015%); highest among the groups gnomAD compares: East Asian, 0.051%; no homozygotes.

Submission:

PreventionGenetics, part of Exact Sciences
Classification: Likely benign for KMT2D-related condition. Last evaluated: 2025-11-24. Review status: criteria provided, single submitter. Criteria: ACMG Guidelines, 2015. Collection method: clinical testing. Allele origin: germline.
Comment: This variant is classified as likely benign based on ACMG/AMP sequence variant interpretation guidelines (Richards et al. 2015 PMID: 25741868, with internal and published modifications).